The following is an entry in ClinVar:

NM_002016.2(FLG):c.9567C>G (p.Ala3189=)

Genes: CCDST (cervical cancer associated DHX9 suppressive transcript; plus strand), FLG (filaggrin; minus strand). Cytogenetic location: 1q21.3.
Variant type: single nucleotide variant.
Coding change: c.9567C>G on transcript NM_002016.2 (MANE Select); coding-DNA position 9567, C replaced by G.
Protein change: p.Ala3189=; no amino-acid change (alanine 3189 retained).
Molecular consequence: synonymous variant.
Genome position (GRCh38, 1-based): chr1:152,305,319, G>C on the plus strand (C>G on the coding strand, the complement: FLG is on the minus strand). VCF-style: chr1-152305319-G-C. GRCh37 (hg19) VCF-style: chr1-152277795-G-C.
Identifiers: ClinVar variation 2639251 (VCV002639251.24), dbSNP rs747211944, ClinGen allele CA1103780.

ClinVar aggregate classification (germline): Likely benign (1 of 4 stars; one submission).

Submission:

CeGaT Center for Human Genetics Tuebingen
Classification: Likely benign. Last evaluated: 2024-01-01. Review status: criteria provided, single submitter. Criteria: CeGaT Center For Human Genetics Tuebingen Variant Classification Criteria Version 2. Collection method: clinical testing. Allele origin: germline. Affected: yes. Observed: 2 variant alleles.
Comment: FLG: BP4, BP7